The following is an entry in ClinVar:

NM_025179.4(PLXNA2):c.4012C>A (p.Leu1338Met)

Gene: PLXNA2 (plexin A2; minus strand). Cytogenetic location: 1q32.2.
Variant type: single nucleotide variant.
Coding change: c.4012C>A on transcript NM_025179.4 (MANE Select); coding-DNA position 4012, C replaced by A.
Protein change: p.Leu1338Met; replaces leucine 1338 with methionine.
Molecular consequence: missense variant.
Genome position (GRCh38, 1-based): chr1:208,043,066, G>T on the plus strand (C>A on the coding strand, the complement: PLXNA2 is on the minus strand). VCF-style: chr1-208043066-G-T. GRCh37 (hg19) VCF-style: chr1-208216411-G-T.
Other names: short protein forms L1338M.
Identifiers: ClinVar variation 1962273 (VCV001962273.5), dbSNP rs1351313250, ClinGen allele CA344562978.

ClinVar aggregate classification (germline): Uncertain significance (1 of 4 stars; one submission).

Allele frequency attached by ClinVar (database versions not stated): gnomAD 0.00001; gnomAD exomes 0.00001; TOPMed 0.00001.
gnomAD v4.1: 10 of 1,613,378 alleles (0.00062%); highest among the groups gnomAD compares: Admixed American, 0.0017%; no homozygotes.

Submission:

Labcorp Genetics (formerly Invitae), Labcorp
Classification: Uncertain significance. Last evaluated: 2022-05-25. Review status: criteria provided, single submitter. Criteria: Invitae Variant Classification Sherloc (09022015). Collection method: clinical testing. Allele origin: germline.
Comment: In summary, the available evidence is currently insufficient to determine the role of this variant in disease. Therefore, it has been classified as a Variant of Uncertain Significance. Algorithms developed to predict the effect of missense changes on protein structure and function are either unavailable or do not agree on the potential impact of this missense change (SIFT: "Tolerated"; PolyPhen-2: "Probably Damaging"; Align-GVGD: "Class C0"). This variant has not been reported in the literature in individuals affected with PLXNA2-related conditions. This variant is present in population databases (no rsID available, gnomAD 0.003%). This sequence change replaces leucine, which is neutral and non-polar, with methionine, which is neutral and non-polar, at codon 1338 of the PLXNA2 protein (p.Leu1338Met).